The following is an entry in ClinVar:

NM_133259.4(LRPPRC):c.2072C>T (p.Ser691Leu)

Gene: LRPPRC (leucine rich pentatricopeptide repeat containing; minus strand). Cytogenetic location: 2p21.
Variant type: single nucleotide variant.
Coding change: c.2072C>T on transcript NM_133259.4 (MANE Select); coding-DNA position 2072, C replaced by T.
Protein change: p.Ser691Leu; replaces serine 691 with leucine.
Molecular consequence: missense variant.
Genome position (GRCh38, 1-based): chr2:43,947,264, G>A on the plus strand (C>T on the coding strand, the complement: LRPPRC is on the minus strand). VCF-style: chr2-43947264-G-A. GRCh37 (hg19) VCF-style: chr2-44174403-G-A.
Other names: p.S691L:TCA>TTA; short protein forms S691L.
Identifiers: ClinVar variation 214621 (VCV000214621.9), dbSNP rs372341254, ClinGen allele CA321688.

ClinVar aggregate classification (germline): Uncertain significance. Review status: criteria provided, multiple submitters, no conflicts (2 of 4 stars). 4 submissions from 4 submitters: Uncertain significance (3). 1 of the submissions does not count toward it. Last evaluated 2025-10-18.

Conditions:
Inborn genetic diseases. Identifiers: MedGen C0950123, MeSH D030342.
Congenital lactic acidosis, Saguenay-Lac-Saint-Jean type (MC4DN5). Also called: CYTOCHROME c OXIDASE DEFICIENCY, FRENCH CANADIAN TYPE; COX DEFICIENCY, FRENCH CANADIAN TYPE; MITOCHONDRIAL COMPLEX IV DEFICIENCY, NUCLEAR TYPE 5. Identifiers: Orphanet 70472, MedGen C1857355, MONDO:0009069, OMIM 220111.

Allele frequency attached by ClinVar (database versions not stated): TOPMed 0.00001; ExAC 0.00002; gnomAD exomes 0.00002.
gnomAD v4.1: 36 of 1,545,250 alleles (0.0023%); highest among the groups gnomAD compares: East Asian, 0.014%; 1 homozygote.

Submissions (4):

Ambry Genetics
Classification: Uncertain significance for Inborn genetic diseases. Last evaluated: 2025-10-18. Review status: criteria provided, single submitter. Criteria: Ambry Variant Classification Scheme 2023. Collection method: clinical testing. Allele origin: germline.

GeneDx
Classification: Uncertain significance. Last evaluated: 2024-05-13. Review status: criteria provided, single submitter. Criteria: GeneDx Variant Classification Process June 2021. Collection method: clinical testing. Allele origin: germline. Affected: yes.
Comment: Not observed at significant frequency in large population cohorts (gnomAD); In silico analysis indicates that this missense variant does not alter protein structure/function; Has not been previously published as pathogenic or benign to our knowledge

Labcorp Genetics (formerly Invitae), Labcorp
Classification: Uncertain significance. Last evaluated: 2021-10-27. Review status: criteria provided, single submitter. Criteria: Invitae Variant Classification Sherloc (09022015). Collection method: clinical testing. Allele origin: germline.
Comment: This sequence change replaces serine, which is neutral and polar, with leucine, which is neutral and non-polar, at codon 691 of the LRPPRC protein (p.Ser691Leu). This variant is present in population databases (rs372341254, gnomAD 0.006%). This variant has not been reported in the literature in individuals affected with LRPPRC-related conditions. ClinVar contains an entry for this variant (Variation ID: 214621). Algorithms developed to predict the effect of missense changes on protein structure and function (SIFT, PolyPhen-2, Align-GVGD) all suggest that this variant is likely to be tolerated. In summary, the available evidence is currently insufficient to determine the role of this variant in disease. Therefore, it has been classified as a Variant of Uncertain Significance.

Natera, Inc.
Classification: Uncertain significance for French-Canadian type Leigh syndrome. Last evaluated: 2020-01-24. Review status: no assertion criteria provided. Collection method: clinical testing. Allele origin: germline. Not counted in ClinVar's aggregate classification.